The following is an entry in ClinVar:

NM_000965.5(RARB):c.646G>A (p.Gly216Ser)

Gene: RARB (retinoic acid receptor beta; plus strand). Cytogenetic location: 3p24.2.
Variant type: single nucleotide variant.
Coding change: c.646G>A on transcript NM_000965.5 (MANE Select); coding-DNA position 646, G replaced by A.
Protein change: p.Gly216Ser; replaces glycine 216 with serine.
Molecular consequence: missense variant. On other transcripts: non-coding transcript variant (2).
Genome position (GRCh38, 1-based): chr3:25,580,582, G>A. VCF-style: chr3-25580582-G-A. GRCh37 (hg19) VCF-style: chr3-25622073-G-A.
Other names: c.646G>A (NM_000965.3); c.667G>A, p.Gly223Ser (NM_001290216.3); c.310G>A, p.Gly104Ser (NM_001290217.2, NM_001290276.2, NM_016152.4); c.499G>A, p.Gly167Ser (NM_001290266.2); c.646G>A, p.Gly216Ser (NM_001290277.1); c.517G>A, p.Gly173Ser (NM_001290300.2); short protein forms G104S, G173S, G167S, G216S, G223S.
Identifiers: ClinVar variation 2801261 (VCV002801261.4), dbSNP rs373578752, ClinGen allele CA2287764.
Genomic context (GRCh38, chr3:25,580,582, plus strand): 5'-GATGACATTTTCTCTCTCTCCTAGAATTCCAGTGCTGACCATCGAGTCCGACTGGACCTG[G>A]GCCTCTGGGACAAATTCAGTGAACTGGCCACCAAGTGCATTATTAAGATCGTGGAGTTTG-3'
Protein context (NP_000956.2, residues 206-226): SADHRVRLDL[Gly216Ser]LWDKFSELAT

ClinVar aggregate classification (germline): Uncertain significance. Review status: criteria provided, multiple submitters, no conflicts (2 of 4 stars). 2 submissions from 2 submitters: Uncertain significance (2). Last evaluated 2024-10-29.

Conditions:
Inborn genetic diseases. Identifiers: MedGen C0950123, MeSH D030342.
Microphthalmia, syndromic 12 (MCOPS12). Also called: MICROPHTHALMIA WITH OR WITHOUT PULMONARY HYPOPLASIA, DIAPHRAGMATIC HERNIA, AND/OR CARDIAC DEFECTS. Identifiers: Orphanet 2470, Orphanet 689829, MedGen C3809803, MONDO:0014229, OMIM 615524.

Allele frequency attached by ClinVar (database versions not stated): TOPMed below 0.00001; ExAC 0.00001; ESP Exome Variant Server 0.00008.
gnomAD v4.1: 1 of 1,607,994 alleles (0.000062%); highest among the groups gnomAD compares: Non-Finnish European, 0.000085%; no homozygotes.

Submissions (2):

Labcorp Genetics (formerly Invitae), Labcorp
Classification: Uncertain significance for Microphthalmia, syndromic 12. Last evaluated: 2024-10-29. Review status: criteria provided, single submitter. Criteria: Invitae Variant Classification Sherloc (09022015). Collection method: clinical testing. Allele origin: germline.
Comment: This sequence change replaces glycine, which is neutral and non-polar, with serine, which is neutral and polar, at codon 216 of the RARB protein (p.Gly216Ser). This variant is present in population databases (rs373578752, gnomAD 0.0009%). This variant has not been reported in the literature in individuals affected with RARB-related conditions. ClinVar contains an entry for this variant (Variation ID: 2801261). Invitae Evidence Modeling of protein sequence and biophysical properties (such as structural, functional, and spatial information, amino acid conservation, physicochemical variation, residue mobility, and thermodynamic stability) indicates that this missense variant is not expected to disrupt RARB protein function with a negative predictive value of 80%. In summary, the available evidence is currently insufficient to determine the role of this variant in disease. Therefore, it has been classified as a Variant of Uncertain Significance.

Ambry Genetics
Classification: Uncertain significance for Inborn genetic diseases. Last evaluated: 2024-07-22. Review status: criteria provided, single submitter. Criteria: Ambry Variant Classification Scheme 2023. Collection method: clinical testing. Allele origin: germline.